The following is an entry in ClinVar:

ClinVar aggregate classification (germline): not provided (0 of 4 stars; one submission).

Allele frequency attached by ClinVar (database versions not stated): gnomAD exomes 0.00023; ExAC 0.00024; gnomAD 0.00146 and 0.00157; TOPMed 0.00173; 1000 Genomes Project 30x 0.00187; 1000 Genomes Project 0.00200.
gnomAD v4.1: 434 of 1,534,332 alleles (0.028%); highest among the groups gnomAD compares: African/African-American, 0.52%; no homozygotes.

Submission:

ITMI
No classification provided. Condition: AllHighlyPenetrant. Last evaluated: 2013-09-19. Review status: no classification provided. Collection method: reference population. Allele origin: germline.
Comment: Please see associated publication for description of ethnicities

Literature cited by the submitters: PubMed 24728327.

NM_003820.4(TNFRSF14):c.305-201G>A

Gene: TNFRSF14 (TNF receptor superfamily member 14; plus strand). Cytogenetic location: 1p36.32.
Variant type: single nucleotide variant.
Coding change: c.305-201G>A on transcript NM_003820.4 (MANE Select); 201 bases into the intron before coding-DNA position 305, G replaced by A.
Molecular consequence: intron variant.
Genome position (GRCh38, 1-based): chr1:2,559,622, G>A. VCF-style: chr1-2559622-G-A. GRCh37 (hg19) VCF-style: chr1-2491061-G-A.
Other names: c.305-201G>A (NM_001297605.2).
Identifiers: ClinVar variation 133409 (VCV000133409.1), dbSNP rs112070015, ClinGen allele CA156501.